The following is an entry in ClinVar:

NM_000157.4(GBA1):c.1249T>G (p.Trp417Gly)

Genes: GBA1 (glucosylceramidase beta 1; minus strand), LOC106627981 (GBA recombination region; plus strand). Cytogenetic location: 1q22.
Variant type: single nucleotide variant.
Coding change: c.1249T>G on transcript NM_000157.4 (MANE Select); coding-DNA position 1249, T replaced by G.
Protein change: p.Trp417Gly; replaces tryptophan 417 with glycine.
Molecular consequence: missense variant.
Genome position (GRCh38, 1-based): chr1:155,235,820, A>C on the plus strand (T>G on the coding strand, the complement: GBA1 is on the minus strand). VCF-style: chr1-155235820-A-C. GRCh37 (hg19) VCF-style: chr1-155205611-A-C.
Other names: p.Trp417Gly; c.1249T>G, p.Trp417Gly (NM_001005741.3, NM_001005742.3); c.988T>G, p.Trp330Gly (NM_001171811.2); c.1102T>G, p.Trp368Gly (NM_001171812.2); c.1249T>G (NM_000157.3); short protein forms W330G, W368G, W417G.
Identifiers: ClinVar variation 1211295 (VCV001211295.8), dbSNP rs1450426641, ClinGen allele CA342713973.

ClinVar aggregate classification (germline): Pathogenic/Likely pathogenic. Review status: criteria provided, multiple submitters, no conflicts (2 of 4 stars). 5 submissions from 5 submitters: Pathogenic (3); Likely pathogenic (2). Last evaluated 2026-07-08.

Conditions:
Gaucher disease. Also called: Acute cerebral Gaucher disease; Cerebroside lipidosis syndrome; Gaucher splenomegaly; Sphingolipidosis 1; Glucocerebrosidosis; Glucosylceramidase deficiency. Identifiers: Orphanet 355, MedGen C0017205, MONDO:0018150.
Gaucher disease type II (GD2). Also called: GAUCHER DISEASE, ACUTE NEURONOPATHIC TYPE; GD II; Acute neuronopathic Gaucher's disease; Type 2 Gaucher disease (Acute; Infantile). Identifiers: Orphanet 77260, MedGen C0268250, MONDO:0009266, OMIM 230900.
Gaucher disease perinatal lethal. Also called: Gaucher disease collodion type; Gaucher Disease, Perinatal-Lethal Form. Identifiers: Orphanet 85212, MedGen C1842704, MONDO:0011945, OMIM 608013.
Parkinson disease, late-onset (PD). Also called: Hereditary late onset Parkinson disease; Susceptibility to Parkinson's Disease; PARKINSON DISEASE, LATE-ONSET, SUSCEPTIBILITY TO. Identifiers: Orphanet 411602, MedGen C3160718, MONDO:0008199, OMIM 168600.
Gaucher disease-ophthalmoplegia-cardiovascular calcification syndrome. Also called: GAUCHER DISEASE, TYPE IIIC. Identifiers: Orphanet 2072, MedGen C1856476, MONDO:0009268, OMIM 231005.
Lewy body dementia (DLB). Also called: Lewy Body Disease. Identifiers: MedGen C0752347, MONDO:0007488, OMIM 127750.
Gaucher disease type I (GD1). Also called: GD 1; ACID BETA-GLUCOSIDASE DEFICIENCY; GAUCHER DISEASE, NONCEREBRAL JUVENILE; GBA DEFICIENCY; GD I; GLUCOCEREBROSIDASE DEFICIENCY. Identifiers: Orphanet 355, Orphanet 77259, MedGen C1961835, MONDO:0009265, OMIM 230800.
Gaucher disease type III. Also called: GAUCHER DISEASE, CHRONIC NEURONOPATHIC TYPE; GAUCHER DISEASE, JUVENILE AND ADULT, CEREBRAL; GAUCHER DISEASE, SUBACUTE NEURONOPATHIC TYPE; GD III; Gaucher Disease, Type 3; Subacute neuronopathic Gaucher's disease. Identifiers: Orphanet 355, Orphanet 77261, MedGen C0268251, MONDO:0009267, OMIM 231000.

Allele frequency attached by ClinVar (database versions not stated): gnomAD exomes below 0.00001.
gnomAD v4.1: 3 of 1,614,234 alleles (0.00019%); highest among the groups gnomAD compares: Non-Finnish European, 0.00017%; no homozygotes.

Submissions (5):

Department of Basic Medical Sciences, College of Medicine, Taibah University
Classification: Likely pathogenic for Gaucher Disease. Last evaluated: 2026-07-08. Review status: criteria provided, single submitter. Criteria: ACMG Guidelines, 2015. Collection method: research. Allele origin: germline. Inheritance: Autosomal recessive inheritance. Affected: yes. Observed: 1 variant allele, 1 compound heterozygote.
Comment: This missense variant results in substitution of tryptophan by glycine at codon 417 of the GBA1 protein (Previous nomenclature: p.W378G). This variant is almost absent from the Genome Aggregation Database (gnomAD exomes), supporting that it is rare in the general population. The variant has been reported in the literature in multiple individuals with Gaucher disease, including in compound heterozygous states with other pathogenic GBA variants. It has also been described as a probable French-Canadian founder variant (Ruskey et al., 2018).

Natera, Inc.
Classification: Pathogenic for Gaucher disease. Last evaluated: 2025-07-30. Review status: criteria provided, single submitter. Criteria: Natera Variant Classification Schema (03/2026). Collection method: clinical testing. Allele origin: germline.
Comment: The c.1249T>G variant in GBA1 is a missense variant predicted to cause substitution of tryptophan to glycine at amino acid 417. This variant is rare in the general population with a frequency below the threshold expected for the associated phenotype(s). This variant has been observed in one or more individuals affected with the associated recessive disease, as either homozygous or compound heterozygous with a second variant (PMID: 29920646). Additionally, this variant has been observed to segregate in affected family members (PMID: 29920646). Computational prediction algorithms indicate this variant is likely to affect gene or protein function. Given the available evidence, this variant is classified as Pathogenic.

Mayo Clinic Laboratories, Mayo Clinic
Classification: Pathogenic. Last evaluated: 2023-10-16. Review status: criteria provided, single submitter. Criteria: ACMG Guidelines, 2015. Collection method: clinical testing. Allele origin: germline.
Comment: PP3, PP4, PM2_moderate, PM3_strong, PS4_moderate

Fulgent Genetics
Classification: Pathogenic for Lewy body dementia; Parkinson disease, late-onset; Gaucher disease type I; Gaucher disease type II; Gaucher disease type III; Gaucher disease-ophthalmoplegia-cardiovascular calcification syndrome; Gaucher disease perinatal lethal. Last evaluated: 2021-09-21. Review status: criteria provided, single submitter. Criteria: ACMG Guidelines, 2015. Collection method: clinical testing. Allele origin: unknown.

GeneDx
Classification: Likely pathogenic. Last evaluated: 2021-02-22. Review status: criteria provided, single submitter. Criteria: GeneDx Variant Classification Process June 2021. Collection method: clinical testing. Allele origin: germline. Affected: yes.
Comment: Also reported in an individual with Parkinson disease who was heterozygous for this variant, however, information regarding parental testing was not available (Noreau et al., 2011).; In silico analysis, which includes protein predictors and evolutionary conservation, supports a deleterious effect; Also reported as W378G due to alternate nomenclature; This variant is associated with the following publications: (PMID: 33176831, 29920646, 21856586, 26995357, 23079555, 8790604, 24219755)

Literature cited by the submitters: PubMed 33114153 (cited by Department of Basic Medical Sciences, College of Medicine, Taibah University); PubMed 29920646 (cited by Natera, Inc. and Mayo Clinic Laboratories, Mayo Clinic); PubMed 18338393 (cited by Mayo Clinic Laboratories, Mayo Clinic); PubMed 21856586 (cited by Mayo Clinic Laboratories, Mayo Clinic); PubMed 23079555 (cited by Mayo Clinic Laboratories, Mayo Clinic); PubMed 24219755 (cited by Mayo Clinic Laboratories, Mayo Clinic); PubMed 26995357 (cited by Mayo Clinic Laboratories, Mayo Clinic); PubMed 34017912 (cited by Mayo Clinic Laboratories, Mayo Clinic); PubMed 8790604 (cited by Mayo Clinic Laboratories, Mayo Clinic).